The following is an entry in ClinVar:

NM_001377.3(DYNC2H1):c.3159del (p.Lys1053fs)

Gene: DYNC2H1 (dynein cytoplasmic 2 heavy chain 1; plus strand). Cytogenetic location: 11q22.3.
Variant type: Deletion.
Coding change: c.3159del on transcript NM_001377.3 (MANE Select); coding-DNA position 3159, one base deleted (A; older notation c.3159delA).
Protein change: p.Lys1053fs; shifts the reading frame from lysine 1053.
Molecular consequence: frameshift variant.
Genome position (GRCh38, 1-based): chr11:103,153,365, A deleted; the last of 5 consecutive A bases (chr11:103,153,361-103,153,365); deleting any one gives the same sequence. VCF-style (leftmost placement, unchanged base first): chr11-103153360-GA-G. GRCh37 (hg19) VCF-style: chr11-103024089-GA-G.
Other names: c.3159del, p.Lys1053fs (NM_001080463.2); short protein forms K1053fs.
Identifiers: ClinVar variation 2777682 (VCV002777682.3), dbSNP rs2497038573, ClinGen allele CA2739270833.

ClinVar aggregate classification (germline): Pathogenic (1 of 4 stars; one submission).

Conditions:
Jeune thoracic dystrophy. Also called: Jeune syndrome; Infantile thoracic dystrophy; Thoracic pelvic phalangeal dystrophy; Jeune's syndrome; Chondroectodermal dysplasia-like syndrome; Short-rib thoracic dysplasia. Identifiers: Orphanet 474, MedGen C0265275, MONDO:0018770.

Submission:

Labcorp Genetics (formerly Invitae), Labcorp
Classification: Pathogenic for Jeune thoracic dystrophy. Last evaluated: 2023-12-09. Review status: criteria provided, single submitter. Criteria: Invitae Variant Classification Sherloc (09022015). Collection method: clinical testing. Allele origin: germline.
Comment: This sequence change creates a premature translational stop signal (p.Lys1053Asnfs*9) in the DYNC2H1 gene. It is expected to result in an absent or disrupted protein product. Loss-of-function variants in DYNC2H1 are known to be pathogenic (PMID: 23339108, 32753734, 33755199). This variant is not present in population databases (gnomAD no frequency). This variant has not been reported in the literature in individuals affected with DYNC2H1-related conditions. For these reasons, this variant has been classified as Pathogenic.

Literature cited by the submitters: PubMed 23339108; PubMed 32753734; PubMed 33755199.